The following is an entry in ClinVar:

ClinVar aggregate classification (germline): Uncertain significance. Review status: criteria provided, multiple submitters, no conflicts (2 of 4 stars). 4 submissions from 4 submitters: Uncertain significance (3). 1 of the submissions does not count toward it. Last evaluated 2024-10-19.

Conditions:
Inborn genetic diseases. Identifiers: MedGen C0950123, MeSH D030342.
Leber congenital amaurosis 8 (LCA8). Identifiers: Orphanet 65, MedGen C3151202, MONDO:0013453, OMIM 613835.
Retinitis pigmentosa 12 (RP12). Also called: RP WITH OR WITHOUT PRESERVED PARAARTERIOLE RETINAL PIGMENT EPITHELIUM; RETINITIS PIGMENTOSA WITH OR WITHOUT PARAARTERIOLAR PRESERVATION OF RETINAL PIGMENT EPITHELIUM; RP WITH OR WITHOUT PPRPE. Identifiers: Orphanet 791, MedGen C1838647, MONDO:0010818, OMIM 600105.
Leber congenital amaurosis (LCA). Also called: Leber's amaurosis. Identifiers: Orphanet 65, MedGen C0339527, MeSH D057130, MONDO:0018998.

Allele frequency attached by ClinVar (database versions not stated): gnomAD exomes 0.00001 and 0.00003; TOPMed 0.00003; ESP Exome Variant Server 0.00015.
gnomAD v4.1: 18 of 1,613,406 alleles (0.0011%); highest among the groups gnomAD compares: African/African-American, 0.016%; no homozygotes.

Submissions (4):

Ambry Genetics
Classification: Uncertain significance for Inborn genetic diseases. Last evaluated: 2024-10-19. Review status: criteria provided, single submitter. Criteria: Ambry Variant Classification Scheme 2023. Collection method: clinical testing. Allele origin: germline.

Blueprint Genetics
Classification: Uncertain significance. Last evaluated: 2024-07-30. Review status: criteria provided, single submitter. Criteria: ACMG Guidelines, 2015. Collection method: clinical testing. Allele origin: germline.

Labcorp Genetics (formerly Invitae), Labcorp
Classification: Uncertain significance for Leber congenital amaurosis 8; Retinitis pigmentosa 12. Last evaluated: 2024-05-09. Review status: criteria provided, single submitter. Criteria: Invitae Variant Classification Sherloc (09022015). Collection method: clinical testing. Allele origin: germline.
Comment: This sequence change replaces threonine, which is neutral and polar, with asparagine, which is neutral and polar, at codon 1228 of the CRB1 protein (p.Thr1228Asn). The frequency data for this variant in the population databases is considered unreliable, as metrics indicate poor data quality at this position in the gnomAD database. This variant has not been reported in the literature in individuals affected with CRB1-related conditions. ClinVar contains an entry for this variant (Variation ID: 1042189). Advanced modeling of protein sequence and biophysical properties (such as structural, functional, and spatial information, amino acid conservation, physicochemical variation, residue mobility, and thermodynamic stability) performed at Invitae indicates that this missense variant is expected to disrupt CRB1 protein function with a positive predictive value of 95%. In summary, the available evidence is currently insufficient to determine the role of this variant in disease. Therefore, it has been classified as a Variant of Uncertain Significance.

Natera, Inc.
Classification: Uncertain significance for Leber congenital amaurosis. Last evaluated: 2020-07-14. Review status: no assertion criteria provided. Collection method: clinical testing. Allele origin: germline. Not counted in ClinVar's aggregate classification.

NM_201253.3(CRB1):c.3683C>A (p.Thr1228Asn)

Gene: CRB1 (crumbs cell polarity complex component 1; plus strand). Cytogenetic location: 1q31.3.
Variant type: single nucleotide variant.
Coding change: c.3683C>A on transcript NM_201253.3 (MANE Select); coding-DNA position 3683, C replaced by A.
Protein change: p.Thr1228Asn; replaces threonine 1228 with asparagine.
Molecular consequence: missense variant. On other transcripts: non-coding transcript variant (2), intron variant (1).
Genome position (GRCh38, 1-based): chr1:197,435,546, C>A. VCF-style: chr1-197435546-C-A. GRCh37 (hg19) VCF-style: chr1-197404676-C-A.
Other names: c.3683C>A (NM_201253.2); c.3347C>A, p.Thr1116Asn (NM_001193640.2); c.3611C>A, p.Thr1204Asn (NM_001257965.2); c.2129-54C>A (NM_001257966.2); short protein forms T1116N, T1228N, T1204N.
Identifiers: ClinVar variation 1042189 (VCV001042189.6), dbSNP rs147924782, ClinGen allele CA1312375.